The following is an entry in ClinVar:

NM_000368.5(TSC1):c.1121G>A (p.Ser374Asn)

Gene: TSC1 (TSC complex subunit 1; minus strand). Cytogenetic location: 9q34.13.
Variant type: single nucleotide variant.
Coding change: c.1121G>A on transcript NM_000368.5 (MANE Select); coding-DNA position 1121, G replaced by A.
Protein change: p.Ser374Asn; replaces serine 374 with asparagine.
Molecular consequence: missense variant.
Genome position (GRCh38, 1-based): chr9:132,911,022, C>T on the plus strand (G>A on the coding strand, the complement: TSC1 is on the minus strand). VCF-style: chr9-132911022-C-T. GRCh37 (hg19) VCF-style: chr9-135786409-C-T.
Other names: c.1121G>A, p.Ser374Asn (NM_001162426.2); c.968G>A, p.Ser323Asn (NM_001162427.2); c.758G>A, p.Ser253Asn (NM_001362177.2); short protein forms S374N, S323N, S253N.
Identifiers: ClinVar variation 580780 (VCV000580780.11), dbSNP rs1564488001, ClinGen allele CA375367379.

ClinVar aggregate classification (germline): Uncertain significance. Review status: criteria provided, multiple submitters, no conflicts (2 of 4 stars). 2 submissions from 2 submitters: Uncertain significance (2). Last evaluated 2026-02-03.

Conditions:
Hereditary cancer-predisposing syndrome. Also called: Hereditary neoplastic syndrome; Tumor predisposition; Hereditary Cancer Syndrome; Neoplastic Syndromes, Hereditary. Identifiers: Orphanet 140162, MedGen C0027672, MeSH D009386, MONDO:0015356.
Tuberous sclerosis 1 (TSC1). Identifiers: Orphanet 805, MedGen C1854465, MONDO:0008612, OMIM 191100.

Submissions (2):

Labcorp Genetics (formerly Invitae), Labcorp
Classification: Uncertain significance for Tuberous sclerosis 1. Last evaluated: 2026-02-03. Review status: criteria provided, single submitter. Criteria: Invitae Variant Classification Sherloc (09022015). Collection method: clinical testing. Allele origin: germline.
Comment: This sequence change replaces serine, which is neutral and polar, with asparagine, which is neutral and polar, at codon 374 of the TSC1 protein (p.Ser374Asn). This variant is not present in population databases (gnomAD no frequency). This variant has not been reported in the literature in individuals affected with TSC1-related conditions. ClinVar contains an entry for this variant (Variation ID: 580780). Invitae Evidence Modeling of protein sequence and biophysical properties (such as structural, functional, and spatial information, amino acid conservation, physicochemical variation, residue mobility, and thermodynamic stability) indicates that this missense variant is not expected to disrupt TSC1 protein function with a negative predictive value of 95%. In summary, the available evidence is currently insufficient to determine the role of this variant in disease. Therefore, it has been classified as a Variant of Uncertain Significance.

Ambry Genetics
Classification: Uncertain significance for Hereditary cancer-predisposing syndrome. Last evaluated: 2022-01-11. Review status: criteria provided, single submitter. Criteria: Ambry Variant Classification Scheme 2023. Collection method: clinical testing. Allele origin: germline.
Comment: The p.S374N variant (also known as c.1121G>A), located in coding exon 9 of the TSC1 gene, results from a G to A substitution at nucleotide position 1121. The serine at codon 374 is replaced by asparagine, an amino acid with highly similar properties. This amino acid position is conserved. In addition, the in silico prediction for this alteration is inconclusive. Since supporting evidence is limited at this time, the clinical significance of this alteration remains unclear.